The following is an entry in ClinVar:

NC_000016.10:g.2770601CAG[5]

Gene: SRRM2 (serine/arginine repetitive matrix 2; plus strand). Cytogenetic location: 16p13.3.
Variant type: Microsatellite.
Genome position: GRCh38 VCF-style: chr16-2770599-T-TGCA. GRCh37 (hg19) VCF-style: chr16-2820600-T-TGCA.
Identifiers: ClinVar variation 3778202 (VCV003778202.7).

ClinVar aggregate classification (germline): Likely benign (1 of 4 stars; one submission).

Submission:

CeGaT Center for Human Genetics Tuebingen
Classification: Likely benign. Last evaluated: 2025-03-01. Review status: criteria provided, single submitter. Criteria: CeGaT Center For Human Genetics Tuebingen Variant Classification Criteria Version 2. Collection method: clinical testing. Allele origin: germline. Affected: yes. Observed: 1 variant allele.
Comment: SRRM2: PM4:Supporting, BS2